The following is an entry in ClinVar:

ClinVar aggregate classification (germline): Uncertain significance (1 of 4 stars; one submission).

Submission:

GeneDx
Classification: Uncertain significance. Last evaluated: 2022-02-22. Review status: criteria provided, single submitter. Criteria: GeneDx Variant Classification Process June 2021. Collection method: clinical testing. Allele origin: germline. Affected: yes.
Comment: Not observed at significant frequency in large population cohorts (gnomAD); Frameshift variant predicted to result in protein truncation in a gene for which loss-of-function is not a known mechanism of disease; Has not been previously published as pathogenic or benign to our knowledge

NM_006514.4(SCN10A):c.5315_5316del (p.Ser1772fs)

Gene: SCN10A (sodium voltage-gated channel alpha subunit 10; minus strand). Cytogenetic location: 3p22.2.
Variant type: Microsatellite.
Coding change: c.5315_5316del on transcript NM_006514.4 (MANE Select); coding-DNA positions 5315 to 5316, 2 bases deleted (CT; older notation c.5315_5316delCT).
Protein change: p.Ser1772fs; shifts the reading frame from serine 1772.
Molecular consequence: frameshift variant.
Genome position (GRCh38, 1-based): chr3:38,697,904-38,697,905, AG deleted on the plus strand (CT on the coding strand, the reverse complement: SCN10A is on the minus strand); deleting any 2 consecutive bases within chr3:38,697,904-38,697,911 gives the same sequence; the c. name uses the placement nearest the transcript's 3' end. VCF-style (leftmost placement, unchanged base first): chr3-38697903-CAG-C. GRCh37 (hg19) VCF-style: chr3-38739394-CAG-C.
Other names: c.5312_5313del, p.Ser1771fs (NM_001293306.2); c.5021_5022del, p.Ser1674fs (NM_001293307.2); short protein forms S1674fs, S1771fs, S1772fs.
Identifiers: ClinVar variation 1702598 (VCV001702598.2), dbSNP rs1433939057, ClinGen allele CA2580614203.
Genomic context (GRCh38, chr3:38,697,903, plus strand): 5'-CCAAAGGCAGGTCCATCTGGATCAGTATATTTCGATTGGGTTTTGGGATTCTCAGGGGAC[CAG>C]AGAGAGTGTCTGCAAAGTCCGAGAGAGCAGAAAAGGTAATAAACTGAGTGGCCTCTGGGT-3'